The following is an entry in ClinVar:

NM_032444.4(SLX4):c.4792A>G (p.Ile1598Val)

Gene: SLX4 (SLX4 structure-specific endonuclease subunit; minus strand). Cytogenetic location: 16p13.3.
Variant type: single nucleotide variant.
Coding change: c.4792A>G on transcript NM_032444.4 (MANE Select); coding-DNA position 4792, A replaced by G.
Protein change: p.Ile1598Val; replaces isoleucine 1598 with valine.
Molecular consequence: missense variant.
Genome position (GRCh38, 1-based): chr16:3,583,458, T>C on the plus strand (A>G on the coding strand, the complement: SLX4 is on the minus strand). VCF-style: chr16-3583458-T-C. GRCh37 (hg19) VCF-style: chr16-3633459-T-C.
Other names: short protein forms I1598V.
Identifiers: ClinVar variation 1715493 (VCV001715493.5), dbSNP rs2548207547, ClinGen allele CA394515418.

ClinVar aggregate classification (germline): Uncertain significance (1 of 4 stars; one submission).

Conditions:
Fanconi anemia (FA). Also called: Fanconi's anemia. Identifiers: Orphanet 84, MedGen C0015625, MeSH D005199, MONDO:0019391.

Submission:

Labcorp Genetics (formerly Invitae), Labcorp
Classification: Uncertain significance for Fanconi anemia. Last evaluated: 2022-08-16. Review status: criteria provided, single submitter. Criteria: Invitae Variant Classification Sherloc (09022015). Collection method: clinical testing. Allele origin: germline.
Comment: This sequence change replaces isoleucine, which is neutral and non-polar, with valine, which is neutral and non-polar, at codon 1598 of the SLX4 protein (p.Ile1598Val). Algorithms developed to predict the effect of missense changes on protein structure and function (SIFT, PolyPhen-2, Align-GVGD) all suggest that this variant is likely to be disruptive. In summary, the available evidence is currently insufficient to determine the role of this variant in disease. Therefore, it has been classified as a Variant of Uncertain Significance. This variant has not been reported in the literature in individuals affected with SLX4-related conditions. This variant is not present in population databases (gnomAD no frequency).